The following is an entry in ClinVar:

ClinVar aggregate classification (germline): Uncertain significance. Review status: criteria provided, multiple submitters, no conflicts (2 of 4 stars). 3 submissions from 3 submitters: Uncertain significance (3). Last evaluated 2026-05-13.

Conditions:
Osteogenesis imperfecta type I (OI1). Also called: Lobstein's Disease; Osteogenesis imperfecta type 1; OI, TYPE I; OSTEOGENESIS IMPERFECTA TARDA; OSTEOGENESIS IMPERFECTA WITH BLUE SCLERAE; Lobstein disease. Identifiers: Orphanet 216796, Orphanet 666, MedGen C0023931, MONDO:0008146, OMIM 166200. Disease mechanism: loss of function.
Ehlers-Danlos syndrome, classic type, 1 (EDSCL1). Also called: Ehlers-Danlos syndrome, type 1; EDS I; EHLERS-DANLOS SYNDROME, GRAVIS TYPE; EHLERS-DANLOS SYNDROME, SEVERE CLASSIC TYPE; Ehlers-Danlos Syndrome, Classic Type, COL5A1-Related. Identifiers: MedGen C0268335, MONDO:0019567, OMIM 130000.

Allele frequency attached by ClinVar (database versions not stated): gnomAD exomes below 0.00001 and 0.00001; ExAC 0.00001; gnomAD 0.00003 and 0.00004; TOPMed 0.00014.
gnomAD v4.1: 28 of 1,613,988 alleles (0.0017%); highest among the groups gnomAD compares: Admixed American, 0.013%; no homozygotes.

Submissions (3):

Women's Health and Genetics/Laboratory Corporation of America, LabCorp
Classification: Uncertain significance. Last evaluated: 2026-05-13. Review status: criteria provided, single submitter. Criteria: LabCorp Variant Classification Summary - May 2015. Collection method: clinical testing. Allele origin: germline.
Comment: Variant summary: COL1A2 c.2813G>A (p.Arg938His) results in a non-conservative amino acid change in the encoded protein sequence. Algorithms developed to predict the effect of missense changes on protein structure and function all suggest that this variant is likely to be disruptive. The variant allele was found at a frequency of 4e-06 in 251252 control chromosomes. The available data on variant occurrences in the general population are insufficient to allow any conclusion about variant significance. To our knowledge, no occurrence of c.2813G>A in individuals affected with COL1A2-related conditions and no experimental evidence demonstrating its impact on protein function have been reported. ClinVar contains an entry for this variant (Variation ID: 1020176). Based on the evidence outlined above, the variant was classified as uncertain significance.

Labcorp Genetics (formerly Invitae), Labcorp
Classification: Uncertain significance for Osteogenesis imperfecta type I; Ehlers-Danlos syndrome, classic type, 1. Last evaluated: 2025-10-14. Review status: criteria provided, single submitter. Criteria: Invitae Variant Classification Sherloc (09022015). Collection method: clinical testing. Allele origin: germline.
Comment: This sequence change replaces arginine, which is basic and polar, with histidine, which is basic and polar, at codon 938 of the COL1A2 protein (p.Arg938His). This variant is present in population databases (rs746504964, gnomAD 0.006%). This variant has not been reported in the literature in individuals affected with COL1A2-related conditions. ClinVar contains an entry for this variant (Variation ID: 1020176). Invitae Evidence Modeling of protein sequence and biophysical properties (such as structural, functional, and spatial information, amino acid conservation, physicochemical variation, residue mobility, and thermodynamic stability) indicates that this missense variant is expected to disrupt COL1A2 protein function with a positive predictive value of 80%. In summary, the available evidence is currently insufficient to determine the role of this variant in disease. Therefore, it has been classified as a Variant of Uncertain Significance.

Blueprint Genetics
Classification: Uncertain significance. Last evaluated: 2023-07-27. Review status: criteria provided, single submitter. Criteria: ACMG Guidelines, 2015. Collection method: clinical testing. Allele origin: germline.

NM_000089.4(COL1A2):c.2813G>A (p.Arg938His)

Gene: COL1A2 (collagen type I alpha 2 chain; plus strand). Cytogenetic location: 7q21.3.
Variant type: single nucleotide variant.
Coding change: c.2813G>A on transcript NM_000089.4 (MANE Select); coding-DNA position 2813, G replaced by A.
Protein change: p.Arg938His; replaces arginine 938 with histidine.
Molecular consequence: missense variant.
Genome position (GRCh38, 1-based): chr7:94,425,641, G>A. VCF-style: chr7-94425641-G-A. GRCh37 (hg19) VCF-style: chr7-94054953-G-A.
Other names: short protein forms R938H.
Identifiers: ClinVar variation 1020176 (VCV001020176.10), dbSNP rs746504964, ClinGen allele CA4347568.